The following is an entry in ClinVar:

NM_006019.4(TCIRG1):c.2415-3C>G

Gene: TCIRG1 (T cell immune regulator 1, ATPase H+ transporting V0 subunit a3; plus strand). Cytogenetic location: 11q13.2.
Variant type: single nucleotide variant.
Coding change: c.2415-3C>G on transcript NM_006019.4 (MANE Select); 3 bases into the intron before coding-DNA position 2415, C replaced by G.
Molecular consequence: intron variant.
Genome position (GRCh38, 1-based): chr11:68,050,738, C>G. VCF-style: chr11-68050738-C-G. GRCh37 (hg19) VCF-style: chr11-67818205-C-G.
Other names: c.1521-3C>G (NM_001351059.2); c.1767-3C>G (NM_006053.4).
Identifiers: ClinVar variation 1989038 (VCV001989038.4), dbSNP rs761286901, ClinGen allele CA2580084677.

ClinVar aggregate classification (germline): Uncertain significance (1 of 4 stars; one submission).

Submission:

Labcorp Genetics (formerly Invitae), Labcorp
Classification: Uncertain significance. Last evaluated: 2022-07-19. Review status: criteria provided, single submitter. Criteria: Invitae Variant Classification Sherloc (09022015). Collection method: clinical testing. Allele origin: germline.
Comment: Variants that disrupt the consensus splice site are a relatively common cause of aberrant splicing (PMID: 17576681, 9536098). Algorithms developed to predict the effect of sequence changes on RNA splicing suggest that this variant may disrupt the consensus splice site. This variant has not been reported in the literature in individuals affected with TCIRG1-related conditions. This variant is not present in population databases (gnomAD no frequency). This sequence change falls in intron 19 of the TCIRG1 gene. It does not directly change the encoded amino acid sequence of the TCIRG1 protein. It affects a nucleotide within the consensus splice site. In summary, the available evidence is currently insufficient to determine the role of this variant in disease. Therefore, it has been classified as a Variant of Uncertain Significance.

Literature cited by the submitters: PubMed 17576681; PubMed 9536098.